The following is an entry in ClinVar:

NM_004329.3(BMPR1A):c.1473A>G (p.Glu491=)

Gene: BMPR1A (bone morphogenetic protein receptor type 1A; plus strand). Cytogenetic location: 10q23.2.
Variant type: single nucleotide variant.
Coding change: c.1473A>G on transcript NM_004329.3 (MANE Select); coding-DNA position 1473, A replaced by G.
Protein change: p.Glu491=; no amino-acid change (glutamic acid 491 retained).
Molecular consequence: synonymous variant.
Genome position (GRCh38, 1-based): chr10:86,923,506, A>G. VCF-style: chr10-86923506-A-G. GRCh37 (hg19) VCF-style: chr10-88683263-A-G.
Identifiers: ClinVar variation 411630 (VCV000411630.19), dbSNP rs557832530, ClinGen allele CA16613230.

ClinVar aggregate classification (germline): Likely benign. Review status: criteria provided, multiple submitters, no conflicts (2 of 4 stars). 6 submissions from 6 submitters: Likely benign (6). Last evaluated 2026-01-13.

Conditions:
Juvenile polyposis syndrome (JPS). Identifiers: Orphanet 2929, MedGen C0345893, MONDO:0017380, OMIM 174900.
Hereditary cancer-predisposing syndrome. Also called: Hereditary neoplastic syndrome; Neoplastic Syndromes, Hereditary; Tumor predisposition; Hereditary Cancer Syndrome. Identifiers: Orphanet 140162, MedGen C0027672, MeSH D009386, MONDO:0015356.

Allele frequency attached by ClinVar (database versions not stated): TOPMed below 0.00001; gnomAD 0.00001.
gnomAD v4.1: 3 of 1,614,246 alleles (0.00019%); highest among the groups gnomAD compares: East Asian, 0.0045%; no homozygotes.

Submissions (6):

Labcorp Genetics (formerly Invitae), Labcorp
Classification: Likely benign for Juvenile polyposis syndrome. Last evaluated: 2026-01-13. Review status: criteria provided, single submitter. Criteria: Invitae Variant Classification Sherloc (09022015). Collection method: clinical testing. Allele origin: germline.

Myriad Genetics, Inc.
Classification: Likely benign for Juvenile polyposis syndrome. Last evaluated: 2023-12-13. Review status: criteria provided, single submitter. Criteria: Myriad Autosomal Dominant, Autosomal Recessive and X-Linked Classification Criteria (2023). Collection method: clinical testing. Allele origin: unknown.
Comment: This variant is considered likely benign. This variant is a silent/synonymous amino acid change and it is not expected to impact splicing.

All of Us Research Program, National Institutes of Health
Classification: Likely benign for Juvenile polyposis syndrome. Last evaluated: 2023-05-16. Review status: criteria provided, single submitter. Criteria: ACMG Guidelines, 2015. Collection method: clinical testing. Allele origin: germline. Inheritance: Autosomal dominant inheritance. Observed: 1 variant allele, 1 heterozygote.
Comment: This study involves interpretation of variants in research participants for the purpose of population health screening. Participant phenotype was not available at the time of variant classification. Additional details can be found in publication PMID: 35346344, PMCID: PMC8962531

Ambry Genetics
Classification: Likely benign for Hereditary cancer-predisposing syndrome. Last evaluated: 2020-08-13. Review status: criteria provided, single submitter. Criteria: Ambry Variant Classification Scheme 2023. Collection method: clinical testing. Allele origin: germline.

Color Diagnostics, LLC DBA Color Health
Classification: Likely benign for Hereditary cancer-predisposing syndrome. Last evaluated: 2019-10-16. Review status: criteria provided, single submitter. Criteria: ACMG Guidelines, 2015. Collection method: clinical testing. Allele origin: germline.

GeneDx
Classification: Likely benign. Last evaluated: 2018-03-12. Review status: criteria provided, single submitter. Criteria: GeneDx Variant Classification (06012015). Collection method: clinical testing. Allele origin: germline. Affected: yes.
Comment: This variant is considered likely benign or benign based on one or more of the following criteria: it is a conservative change, it occurs at a poorly conserved position in the protein, it is predicted to be benign by multiple in silico algorithms, and/or has population frequency not consistent with disease.